The following is an entry in ClinVar:

ClinVar aggregate classification (germline): Likely benign (1 of 4 stars; one submission).

Conditions:
Thyroid dyshormonogenesis 1. Also called: HYPOTHYROIDISM, CONGENITAL, DUE TO DYSHORMONOGENESIS, 1; IODINE ACCUMULATION, TRANSPORT, OR TRAPPING DEFECT; THYROID HORMONOGENESIS, GENETIC DEFECT IN, 1; Familial thyroid dyshormonogenesis 1. Identifiers: Orphanet 95716, MedGen C1848805, MONDO:0020716, OMIM 274400.

Allele frequency attached by ClinVar (database versions not stated): gnomAD 0.00131 and 0.00148; TOPMed 0.00153; 1000 Genomes Project 30x 0.00578; 1000 Genomes Project 0.00579.

Submission:

Illumina Laboratory Services, Illumina
Classification: Likely benign for Thyroid dyshormonogenesis 1. Last evaluated: 2017-04-27. Review status: criteria provided, single submitter. Criteria: ICSL Variant Classification Criteria 13 December 2019. Collection method: clinical testing. Allele origin: germline.
Comment: This variant was observed as part of a predisposition screen in an ostensibly healthy population. A literature search was performed for the gene, cDNA change, and amino acid change (where applicable). No publications were found based on this search. Allele frequency data from public databases allowed determination this variant is unlikely to cause disease. Therefore, this variant is classified as likely benign.

NM_000453.3(SLC5A5):c.*551G>A

Gene: SLC5A5 (solute carrier family 5 member 5; plus strand). Cytogenetic location: 19p13.11.
Variant type: single nucleotide variant.
Coding change: c.*551G>A on transcript NM_000453.3 (MANE Select); 551 bases downstream of the stop codon, G replaced by A.
Molecular consequence: 3 prime UTR variant.
Genome position (GRCh38, 1-based): chr19:17,894,428, G>A. VCF-style: chr19-17894428-G-A. GRCh37 (hg19) VCF-style: chr19-18005237-G-A.
Identifiers: ClinVar variation 891490 (VCV000891490.4), dbSNP rs141730977, ClinGen allele CA306123379.